The following is an entry in ClinVar:

NM_017780.4(CHD7):c.6514G>T (p.Glu2172Ter)

Gene: CHD7 (chromodomain helicase DNA binding protein 7; plus strand). Cytogenetic location: 8q12.2.
Variant type: single nucleotide variant.
Coding change: c.6514G>T on transcript NM_017780.4 (MANE Select); coding-DNA position 6514, G replaced by T.
Protein change: p.Glu2172Ter; replaces glutamic acid 2172 with a stop codon.
Molecular consequence: nonsense. On other transcripts: intron variant (1).
Genome position (GRCh38, 1-based): chr8:60,853,239, G>T. VCF-style: chr8-60853239-G-T. GRCh37 (hg19) VCF-style: chr8-61765798-G-T.
Other names: c.1717-8990G>T (NM_001316690.1); short protein forms E2172*.
Identifiers: ClinVar variation 1181587 (VCV001181587.3), dbSNP rs761214775, ClinGen allele CA371325550.
Genomic context (GRCh38, chr8:60,853,239, plus strand): 5'-CAGACTCCTCCAGTCATCTCATCTGCTCATATTCAAGATGAGAGGGTACTGGAACAAGCC[G>T]AAGGCAAAGTGGAGGAGCCTGAAAACCCAGCTGCCAAGGAGAAATGTGAGGGCAAAGAAG-3'

ClinVar aggregate classification (germline): Pathogenic. Review status: criteria provided, multiple submitters, no conflicts (2 of 4 stars). 2 submissions from 2 submitters: Pathogenic (2). Last evaluated 2022-08-19.

Conditions:
CHARGE syndrome (CHARGE). Also called: Hittner Hirsch Kreh syndrome; CHARGE ASSOCIATION--COLOBOMA, HEART ANOMALY, CHOANAL ATRESIA, RETARDATION, GENITAL AND EAR ANOMALIES; Coloboma, heart anomaly, choanal atresia, retardation, genital and ear anomalies; CHARGE association; Hall-Hittner syndrome. Identifiers: Orphanet 138, MedGen C0265354, MONDO:0008965.

Submissions (2):

Institute of Immunology and Genetics Kaiserslautern
Classification: Pathogenic for CHD7-related CHARGE syndrome. Last evaluated: 2022-08-19. Review status: criteria provided, single submitter. Criteria: ACMG Guidelines, 2015. Collection method: clinical testing. Allele origin: de novo. Affected: yes.
Comment: ACMG Criteria: PVS1, PS2, PM2, PP5; Variant was found heterozygously in de novo-status by trio exome sequence analysis.

GeneDx
Classification: Pathogenic. Last evaluated: 2021-06-04. Review status: criteria provided, single submitter. Criteria: GeneDx Variant Classification Process June 2021. Collection method: clinical testing. Allele origin: germline. Affected: yes.
Comment: Nonsense variant predicted to result in protein truncation or nonsense mediated decay in a gene for which loss-of-function is a known mechanism of disease; Not observed at significant frequency in large population cohorts (Lek et al., 2016); Has not been previously published as pathogenic or benign to our knowledge; This variant is associated with the following publications: (PMID: 27535533)